The following is an entry in ClinVar:

NM_001378120.1(MBD5):c.796A>G (p.Ile266Val)

Gene: MBD5 (methyl-CpG binding domain protein 5; plus strand). Cytogenetic location: 2q23.1.
Variant type: single nucleotide variant.
Coding change: c.796A>G on transcript NM_001378120.1 (MANE Select); coding-DNA position 796, A replaced by G.
Protein change: p.Ile266Val; replaces isoleucine 266 with valine.
Molecular consequence: missense variant.
Genome position (GRCh38, 1-based): chr2:148,468,739, A>G. VCF-style: chr2-148468739-A-G. GRCh37 (hg19) VCF-style: chr2-149226308-A-G.
Other names: p.I266V:ATT>GTT; c.796A>G, p.Ile266Val (NM_018328.5); short protein forms I266V.
Identifiers: ClinVar variation 199147 (VCV000199147.47), dbSNP rs568826753, ClinGen allele CA248193.

ClinVar aggregate classification (germline): Conflicting classifications of pathogenicity. Review status: criteria provided, conflicting classifications (1 of 4 stars). 8 submissions from 8 submitters: Uncertain significance (2); Benign (1); Likely benign (5). Last evaluated 2026-07-01.

Conditions:
Inborn genetic diseases. Identifiers: MedGen C0950123, MeSH D030342.
Intellectual developmental disorder, autosomal dominant 1. Also called: MBD5 Haploinsufficiency; Intellectual disability, autosomal dominant 1. Identifiers: Orphanet 228402, MedGen C1969562, MONDO:0007974, OMIM 156200.

Allele frequency attached by ClinVar (database versions not stated): gnomAD 0.00004 and 0.00007; TOPMed 0.00008; ExAC 0.00010; gnomAD exomes 0.00012; 1000 Genomes Project 30x 0.00016; 1000 Genomes Project 0.00020.
gnomAD v4.1: 192 of 1,613,884 alleles (0.012%); highest among the groups gnomAD compares: Non-Finnish European, 0.014%; no homozygotes.

Submissions (8):

CeGaT Center for Human Genetics Tuebingen
Classification: Likely benign. Last evaluated: 2026-07-01. Review status: criteria provided, single submitter. Criteria: CeGaT Center For Human Genetics Tuebingen Variant Classification Criteria Version 2. Collection method: clinical testing. Allele origin: germline. Affected: yes. Observed: 3 variant alleles.
Comment: MBD5: BP4, BS2

Labcorp Genetics (formerly Invitae), Labcorp
Classification: Benign for Intellectual developmental disorder, autosomal dominant 1. Last evaluated: 2025-12-15. Review status: criteria provided, single submitter. Criteria: Invitae Variant Classification Sherloc (09022015). Collection method: clinical testing. Allele origin: germline.

Women's Health and Genetics/Laboratory Corporation of America, LabCorp
Classification: Uncertain significance. Last evaluated: 2025-03-26. Review status: criteria provided, single submitter. Criteria: LabCorp Variant Classification Summary - May 2015. Collection method: clinical testing. Allele origin: germline.
Comment: Variant summary: MBD5 c.796A>G (p.Ile266Val) results in a conservative amino acid change in the encoded protein sequence. Two of three in-silico tools predict a benign effect of the variant on protein function. The variant allele was found at a frequency of 0.00012 in 250156 control chromosomes. This frequency is not significantly higher than estimated for a pathogenic variant in MBD5 causing MBD5 Associated Neurodevelopmental Disorder, allowing no conclusion about variant significance. To our knowledge, no occurrence of c.796A>G in individuals affected with MBD5 Associated Neurodevelopmental Disorder and no experimental evidence demonstrating its impact on protein function have been reported. ClinVar contains an entry for this variant (Variation ID: 199147). Based on the evidence outlined above, the variant was classified as VUS-possibly benign.

Blueprint Genetics
Classification: Likely benign. Last evaluated: 2024-11-25. Review status: criteria provided, single submitter. Criteria: ACMG Guidelines, 2015. Collection method: clinical testing. Allele origin: germline.

Ambry Genetics
Classification: Likely benign for Inborn genetic diseases. Last evaluated: 2021-07-08. Review status: criteria provided, single submitter. Criteria: Ambry Variant Classification Scheme 2023. Collection method: clinical testing. Allele origin: germline.

GeneDx
Classification: Likely benign. Last evaluated: 2021-06-09. Review status: criteria provided, single submitter. Criteria: GeneDx Variant Classification Process June 2021. Collection method: clinical testing. Allele origin: germline. Affected: yes.

Genetic Services Laboratory, University of Chicago
Classification: Likely benign. Last evaluated: 2017-01-03. Review status: criteria provided, single submitter. Criteria: ACMG Guidelines, 2015. Collection method: clinical testing. Allele origin: germline. Affected: no.

Eurofins Ntd Llc (ga)
Classification: Uncertain significance. Last evaluated: 2015-03-06. Review status: criteria provided, single submitter. Criteria: EGL Classification Definitions 2015. Collection method: clinical testing. Allele origin: germline. Observed: 2 variant alleles, 2 heterozygotes.